The following is an entry in ClinVar:

NM_000203.5(IDUA):c.1829-1G>A

Gene: IDUA (alpha-L-iduronidase; plus strand). Cytogenetic location: 4p16.3.
Variant type: single nucleotide variant.
Coding change: c.1829-1G>A on transcript NM_000203.5 (MANE Select); the canonical splice acceptor site of the intron before coding-DNA position 1829, G replaced by A.
Molecular consequence: splice acceptor variant.
Genome position (GRCh38, 1-based): chr4:1,004,259, G>A. VCF-style: chr4-1004259-G-A. GRCh37 (hg19) VCF-style: chr4-998047-G-A.
Other names: c.1433-1G>A (NM_001363576.1).
Identifiers: ClinVar variation 552823 (VCV000552823.15), dbSNP rs745915863, ClinGen allele CA2802451.

ClinVar aggregate classification (germline): Likely pathogenic. Review status: criteria provided, multiple submitters, no conflicts (2 of 4 stars). 5 submissions from 5 submitters: Likely pathogenic (4). 1 of the submissions does not count toward it. Last evaluated 2025-09-22.

Conditions:
IDUA-related disorders.
Mucopolysaccharidosis type 1. Also called: Mucopolysaccharidosis Type I; IDUA deficiency; MPS I. Identifiers: Orphanet 579, MedGen C0023786, MONDO:0001586.
Hurler syndrome. Also called: Gargoylism, Hurler Syndrome; MUCOPOLYSACCHARIDOSIS TYPE IH; Severe MPS I (Hurler Syndrome). Identifiers: Orphanet 93473, MedGen C0086795, MONDO:0011758, OMIM 607014.

Allele frequency attached by ClinVar (database versions not stated): gnomAD 0.00002; gnomAD exomes 0.00002; TOPMed 0.00002; ExAC 0.00003.
gnomAD v4.1: 25 of 1,609,788 alleles (0.0016%); highest among the groups gnomAD compares: Admixed American, 0.005%; no homozygotes.

Submissions (5):

Natera, Inc.
Classification: Likely pathogenic for Mucopolysaccharidosis type I. Last evaluated: 2025-09-22. Review status: criteria provided, single submitter. Criteria: Natera Variant Classification Schema (03/2026). Collection method: clinical testing. Allele origin: germline.
Comment: The c.1829-1G>A variant in IDUA is a canonical splice acceptor site variant predicted to affect pre-mRNA splicing, which may result in an abnormal transcript and altered protein product. This variant is expected to result in nonsense mediated decay, truncation, or a dysfunctional protein product. This variant is rare in the general population with a frequency below the threshold expected for the associated phenotype(s). Given the available evidence, this variant is classified as Likely Pathogenic.

Revvity Omics, Revvity
Classification: Likely pathogenic. Last evaluated: 2025-08-11. Review status: criteria provided, single submitter. Criteria: ACMG Guidelines, 2015. Collection method: clinical testing. Allele origin: germline.

Labcorp Genetics (formerly Invitae), Labcorp
Classification: Likely pathogenic for Mucopolysaccharidosis type 1. Last evaluated: 2024-02-01. Review status: criteria provided, single submitter. Criteria: Invitae Variant Classification Sherloc (09022015). Collection method: clinical testing. Allele origin: germline.
Comment: This sequence change affects an acceptor splice site in intron 13 of the IDUA gene. While this variant is not anticipated to result in nonsense mediated decay, it likely alters RNA splicing and results in a disrupted protein product. This variant is present in population databases (rs745915863, gnomAD 0.005%). Disruption of this splice site has been observed in individual(s) with mucopolysaccharidosis type I (PMID: 24798265; Invitae). In at least one individual the data is consistent with being in trans (on the opposite chromosome) from a pathogenic variant. ClinVar contains an entry for this variant (Variation ID: 552823). Variants that disrupt the consensus splice site are a relatively common cause of aberrant splicing (PMID: 17576681, 9536098). Algorithms developed to predict the effect of sequence changes on RNA splicing suggest that this variant may disrupt the consensus splice site. In summary, the currently available evidence indicates that the variant is pathogenic, but additional data are needed to prove that conclusively. Therefore, this variant has been classified as Likely Pathogenic.

Blueprint Genetics
Classification: Likely pathogenic for IDUA-related disorders. Last evaluated: 2020-04-24. Review status: criteria provided, single submitter. Criteria: ACMG Guidelines, 2015. Collection method: clinical testing. Allele origin: germline. Affected: yes. Observed: 3 variant alleles.

Counsyl
Classification: Likely pathogenic for Hurler syndrome. Last evaluated: 2017-07-21. Review status: no assertion criteria provided. Collection method: clinical testing. Allele origin: unknown. Not counted in ClinVar's aggregate classification.

Literature cited by the submitters: PubMed 24798265 (cited by Labcorp Genetics (formerly Invitae), Labcorp and Counsyl); PubMed 17576681 (cited by Labcorp Genetics (formerly Invitae), Labcorp); PubMed 9536098 (cited by Labcorp Genetics (formerly Invitae), Labcorp).